The following is an entry in ClinVar:

ClinVar aggregate classification (germline): Uncertain significance. Review status: criteria provided, multiple submitters, no conflicts (2 of 4 stars). 3 submissions from 3 submitters: Uncertain significance (3). Last evaluated 2025-09-05.

Conditions:
Inborn genetic diseases. Identifiers: MedGen C0950123, MeSH D030342.
Pierson syndrome. Also called: MICROCORIA-CONGENITAL NEPHROTIC SYNDROME. Identifiers: Orphanet 2670, MedGen C1836876, MONDO:0012184, OMIM 609049.
LAMB2-related infantile-onset nephrotic syndrome. Also called: NEPHROTIC SYNDROME, TYPE 5, WITHOUT OCULAR ABNORMALITIES; NEPHROTIC SYNDROME, TYPE 5, WITH OCULAR ABNORMALITIES; Nephrotic Syndrome, type 5. Identifiers: Orphanet 306507, MedGen C3280113, MONDO:0013621, OMIM 614199.

Allele frequency attached by ClinVar (database versions not stated): gnomAD exomes 0.00001 and 0.00002; ExAC 0.00001; TOPMed 0.00003; gnomAD 0.00004 and 0.00005; 1000 Genomes Project 30x 0.00016; 1000 Genomes Project 0.00020.

Submissions (3):

Ambry Genetics
Classification: Uncertain significance for Inborn genetic diseases. Last evaluated: 2025-09-05. Review status: criteria provided, single submitter. Criteria: Ambry Variant Classification Scheme 2023. Collection method: clinical testing. Allele origin: germline.

Fulgent Genetics
Classification: Uncertain significance for Pierson syndrome; LAMB2-related infantile-onset nephrotic syndrome. Last evaluated: 2024-06-18. Review status: criteria provided, single submitter. Criteria: ACMG Guidelines, 2015. Collection method: clinical testing. Allele origin: germline.

Labcorp Genetics (formerly Invitae), Labcorp
Classification: Uncertain significance for LAMB2-related infantile-onset nephrotic syndrome; Pierson syndrome. Last evaluated: 2021-08-31. Review status: criteria provided, single submitter. Criteria: Invitae Variant Classification Sherloc (09022015). Collection method: clinical testing. Allele origin: germline.
Comment: In summary, the available evidence is currently insufficient to determine the role of this variant in disease. Therefore, it has been classified as a Variant of Uncertain Significance. This sequence change replaces arginine with cysteine at codon 860 of the LAMB2 protein (p.Arg860Cys). The arginine residue is highly conserved and there is a large physicochemical difference between arginine and cysteine. This variant is present in population databases (rs563405094, ExAC 0.01%). This variant has not been reported in the literature in individuals affected with LAMB2-related conditions. Algorithms developed to predict the effect of missense changes on protein structure and function (SIFT, PolyPhen-2, Align-GVGD) all suggest that this variant is likely to be disruptive.

NM_002292.4(LAMB2):c.2578C>T (p.Arg860Cys)

Genes: LAMB2 (laminin subunit beta 2; minus strand), LOC129936738 (ATAC-STARR-seq lymphoblastoid active region 19855; plus strand). Cytogenetic location: 3p21.31.
Variant type: single nucleotide variant.
Coding change: c.2578C>T on transcript NM_002292.4 (MANE Select); coding-DNA position 2578, C replaced by T.
Protein change: p.Arg860Cys; replaces arginine 860 with cysteine.
Molecular consequence: missense variant.
Genome position (GRCh38, 1-based): chr3:49,125,395, G>A on the plus strand (C>T on the coding strand, the complement: LAMB2 is on the minus strand). VCF-style: chr3-49125395-G-A. GRCh37 (hg19) VCF-style: chr3-49162828-G-A.
Other names: c.2578C>T (NM_002292.3); short protein forms R860C.
Identifiers: ClinVar variation 1472330 (VCV001472330.8), dbSNP rs563405094, ClinGen allele CA2394274.